The following is an entry in ClinVar:

ClinVar aggregate classification (germline): Uncertain significance (1 of 4 stars; one submission).

Conditions:
Peroxisome biogenesis disorder 5A (Zellweger) (PBD5A). Identifiers: Orphanet 912, MedGen C3553940, MONDO:0013932, OMIM 614866.

Allele frequency attached by ClinVar (database versions not stated): gnomAD exomes 0.00001; ExAC 0.00002; TOPMed 0.00002; gnomAD 0.00003; 1000 Genomes Project 30x 0.00031.
gnomAD v4.1: 25 of 1,614,056 alleles (0.0015%); highest among the groups gnomAD compares: Non-Finnish European, 0.002%; no homozygotes.

Submission:

Labcorp Genetics (formerly Invitae), Labcorp
Classification: Uncertain significance for Peroxisome biogenesis disorder 5A (Zellweger). Last evaluated: 2022-09-01. Review status: criteria provided, single submitter. Criteria: Invitae Variant Classification Sherloc (09022015). Collection method: clinical testing. Allele origin: germline.
Comment: This sequence change replaces proline, which is neutral and non-polar, with leucine, which is neutral and non-polar, at codon 251 of the PEX2 protein (p.Pro251Leu). This variant is present in population databases (rs751219355, gnomAD 0.006%). This variant has not been reported in the literature in individuals affected with PEX2-related conditions. Algorithms developed to predict the effect of missense changes on protein structure and function (SIFT, PolyPhen-2, Align-GVGD) all suggest that this variant is likely to be disruptive. In summary, the available evidence is currently insufficient to determine the role of this variant in disease. Therefore, it has been classified as a Variant of Uncertain Significance.

NM_000318.3(PEX2):c.752C>T (p.Pro251Leu)

Gene: PEX2 (peroxisomal biogenesis factor 2; minus strand). Cytogenetic location: 8q21.13.
Variant type: single nucleotide variant.
Coding change: c.752C>T on transcript NM_000318.3 (MANE Select); coding-DNA position 752, C replaced by T.
Protein change: p.Pro251Leu; replaces proline 251 with leucine.
Molecular consequence: missense variant.
Genome position (GRCh38, 1-based): chr8:76,983,427, G>A on the plus strand (C>T on the coding strand, the complement: PEX2 is on the minus strand). VCF-style: chr8-76983427-G-A. GRCh37 (hg19) VCF-style: chr8-77895663-G-A.
Other names: c.752C>T, p.Pro251Leu (NM_001079867.2, NM_001172086.2, NM_001172087.2); short protein forms P251L.
Identifiers: ClinVar variation 2166823 (VCV002166823.1), dbSNP rs751219355, ClinGen allele CA4788658.